The following is an entry in ClinVar:

ClinVar aggregate classification (germline): Conflicting classifications of pathogenicity. Review status: criteria provided, conflicting classifications (1 of 4 stars). 2 submissions from 2 submitters: Pathogenic (1); Uncertain significance (1). Last evaluated 2026-01-27.

Conditions:
Hydrocephalus, nonsyndromic, autosomal recessive 2. Also called: Hydrocephalus, congenital, 2, with or without brain or eye anomalies. Identifiers: Orphanet 2185, MedGen C3554691, MONDO:0014085, OMIM 615219.

Submissions (2):

Labcorp Genetics (formerly Invitae), Labcorp
Classification: Pathogenic. Last evaluated: 2026-01-27. Review status: criteria provided, single submitter. Criteria: Invitae Variant Classification Sherloc (09022015). Collection method: clinical testing. Allele origin: germline.
Comment: This sequence change creates a premature translational stop signal (p.Leu33Glnfs*40) in the MPDZ gene. It is expected to result in an absent or disrupted protein product. Loss-of-function variants in MPDZ are known to be pathogenic (PMID: 23240096, 28556411). This variant is present in population databases (rs770580208, gnomAD 0.003%). This variant has not been reported in the literature in individuals affected with MPDZ-related conditions. ClinVar contains an entry for this variant (Variation ID: 3377761). For these reasons, this variant has been classified as Pathogenic.

Neuberg Centre For Genomic Medicine, NCGM
Classification: Uncertain significance for Hydrocephalus, nonsyndromic, autosomal recessive 2. Review status: criteria provided, single submitter. Criteria: ACMG Guidelines, 2015. Collection method: clinical testing. Allele origin: germline. Inheritance: Autosomal recessive inheritance. Affected: yes.
Comment: The observed frameshift variant c.98_99del(p.Leu33GlnfsTer40) in the MPDZ gene has not been reported previously as a pathogenic variant nor as a benign variant, to our knowledge. This variant is reported with the allele frequency 0.0004% in the gnomAD Exomes. This variant causes a frameshift starting with codon Leucine 33, changes this amino acid to Glutamine residue, and creates a premature Stop codon at position 40 of the new reading frame, denoted p.Leu33GlnfsTer40. This variant is predicted to cause loss of normal protein function through protein truncation. Loss of function variants have been previously reported to be disease causing (Shaheen R, et al., 2017). For these reasons, this variant has been classified as Likely Pathogenic.

Literature cited by the submitters: PubMed 23240096 (cited by Labcorp Genetics (formerly Invitae), Labcorp); PubMed 28556411 (cited by Labcorp Genetics (formerly Invitae), Labcorp).

NM_001378778.1(MPDZ):c.98_99del (p.Leu33fs)

Gene: MPDZ (multiple PDZ domain crumbs cell polarity complex component; minus strand). Cytogenetic location: 9p23.
Variant type: Deletion.
Coding change: c.98_99del on transcript NM_001378778.1 (MANE Select); coding-DNA positions 98 to 99, 2 bases deleted (TG; older notation c.98_99delTG).
Protein change: p.Leu33fs; shifts the reading frame from leucine 33.
Molecular consequence: frameshift variant.
Genome position (GRCh38, 1-based): chr9:13,247,719-13,247,720, CA deleted on the plus strand (TG on the coding strand, the reverse complement: MPDZ is on the minus strand). VCF-style (leftmost placement, unchanged base first): chr9-13247718-TCA-T. GRCh37 (hg19) VCF-style: chr9-13247717-TCA-T.
Other names: c.98_99del, p.Leu33fs (NM_001261406.2, NM_001261407.2, NM_001330637.2 and 14 more transcripts); short protein forms L33fs.
Identifiers: ClinVar variation 3377761 (VCV003377761.3).